The following is an entry in ClinVar:

ClinVar aggregate classification (germline): Uncertain significance (1 of 4 stars; one submission).

Conditions:
Inborn genetic diseases. Identifiers: MedGen C0950123, MeSH D030342.

Submission:

Ambry Genetics
Classification: Uncertain significance for Inborn genetic diseases. Last evaluated: 2025-03-08. Review status: criteria provided, single submitter. Criteria: Ambry Variant Classification Scheme 2023. Collection method: clinical testing. Allele origin: germline.
Comment: The p.S959R variant (also known as c.2877C>G), located in coding exon 1 of the SAMD9L gene, results from a C to G substitution at nucleotide position 2877. The serine at codon 959 is replaced by arginine, an amino acid with dissimilar properties. This amino acid position is conserved. In addition, this alteration is predicted to be tolerated by in silico analysis. Based on the available evidence, the clinical significance of this variant remains unclear.

NM_152703.5(SAMD9L):c.2877C>G (p.Ser959Arg)

Gene: SAMD9L (sterile alpha motif domain containing 9 like; minus strand). Cytogenetic location: 7q21.2.
Variant type: single nucleotide variant.
Coding change: c.2877C>G on transcript NM_152703.5 (MANE Select); coding-DNA position 2877, C replaced by G.
Protein change: p.Ser959Arg; replaces serine 959 with arginine.
Molecular consequence: missense variant.
Genome position (GRCh38, 1-based): chr7:93,133,095, G>C on the plus strand (C>G on the coding strand, the complement: SAMD9L is on the minus strand). VCF-style: chr7-93133095-G-C. GRCh37 (hg19) VCF-style: chr7-92762408-G-C.
Other names: c.2877C>G, p.Ser959Arg (NM_001303496.3, NM_001303497.3, NM_001303498.3 and 5 more transcripts); short protein forms S959R.
Identifiers: ClinVar variation 3792505 (VCV003792505.1).